The following is an entry in ClinVar:

ClinVar aggregate classification (germline): Uncertain significance. Review status: criteria provided, multiple submitters, no conflicts (2 of 4 stars). 2 submissions from 2 submitters: Uncertain significance (2). Last evaluated 2021-11-18.

Conditions:
Hereditary cancer-predisposing syndrome. Also called: Neoplastic Syndromes, Hereditary; Tumor predisposition; Hereditary neoplastic syndrome; Hereditary Cancer Syndrome. Identifiers: Orphanet 140162, MedGen C0027672, MeSH D009386, MONDO:0015356.
Familial adenomatous polyposis 1 (FAP1). Also called: POLYPOSIS, ADENOMATOUS INTESTINAL; FAMILIAL ADENOMATOUS POLYPOSIS 1, ATTENUATED. Identifiers: MedGen C2713442, MONDO:0021056, OMIM 175100. Disease mechanism: loss of function.

Submissions (2):

Labcorp Genetics (formerly Invitae), Labcorp
Classification: Uncertain significance for Familial adenomatous polyposis 1. Last evaluated: 2021-11-18. Review status: criteria provided, single submitter. Criteria: Invitae Variant Classification Sherloc (09022015). Collection method: clinical testing. Allele origin: germline.
Comment: In summary, the available evidence is currently insufficient to determine the role of this variant in disease. Therefore, it has been classified as a Variant of Uncertain Significance. Algorithms developed to predict the effect of missense changes on protein structure and function are either unavailable or do not agree on the potential impact of this missense change (SIFT: "Deleterious"; PolyPhen-2: "Possibly Damaging"; Align-GVGD: "Class C15"). ClinVar contains an entry for this variant (Variation ID: 825329). This variant has not been reported in the literature in individuals affected with APC-related conditions. This variant is not present in population databases (gnomAD no frequency). This sequence change replaces threonine, which is neutral and polar, with isoleucine, which is neutral and non-polar, at codon 1655 of the APC protein (p.Thr1655Ile).

Ambry Genetics
Classification: Uncertain significance for Hereditary cancer-predisposing syndrome. Last evaluated: 2019-09-10. Review status: criteria provided, single submitter. Criteria: Ambry Variant Classification Scheme 2023. Collection method: clinical testing. Allele origin: germline.
Comment: The p.T1655I variant (also known as c.4964C>T), located in coding exon 15 of the APC gene, results from a C to T substitution at nucleotide position 4964. The threonine at codon 1655 is replaced by isoleucine, an amino acid with similar properties. This amino acid position is highly conserved in available vertebrate species. In addition, in silico predictors for this gene do not accurately predict pathogenicity. Since supporting evidence is limited at this time, the clinical significance of this alteration remains unclear.

NM_000038.6(APC):c.4964C>T (p.Thr1655Ile)

Gene: APC (APC regulator of Wnt signaling pathway; plus strand). Cytogenetic location: 5q22.2.
Variant type: single nucleotide variant.
Coding change: c.4964C>T on transcript NM_000038.6 (MANE Select); coding-DNA position 4964, C replaced by T.
Protein change: p.Thr1655Ile; replaces threonine 1655 with isoleucine.
Molecular consequence: missense variant.
Genome position (GRCh38, 1-based): chr5:112,840,558, C>T. VCF-style: chr5-112840558-C-T. GRCh37 (hg19) VCF-style: chr5-112176255-C-T.
Other names: c.4964C>T, p.Thr1655Ile (NM_001127510.3, NM_001354895.2); c.4910C>T, p.Thr1637Ile (NM_001127511.3); c.5018C>T, p.Thr1673Ile (NM_001354896.2); c.4994C>T, p.Thr1665Ile (NM_001354897.2); c.4889C>T, p.Thr1630Ile (NM_001354898.2); c.4880C>T, p.Thr1627Ile (NM_001354899.2); c.4841C>T, p.Thr1614Ile (NM_001354900.2); c.4787C>T, p.Thr1596Ile (NM_001354901.2); and 5 more; short protein forms T1495I, T1529I, T1372I, T1614I, T1637I, T1655I, T1665I, T1673I.
Identifiers: ClinVar variation 825329 (VCV000825329.10), dbSNP rs1580654619, ClinGen allele CA16032201.